The following is an entry in ClinVar:

NM_000441.1(SLC26A4):c.(?_305)_(415_?)dup (p.(?))

Gene: SLC26A4 (solute carrier family 26 member 4; plus strand). Cytogenetic location: 7q22.3.
Variant type: Duplication.
Identifiers: ClinVar variation 517189 (VCV000517189.4).

ClinVar aggregate classification (germline): Likely pathogenic (1 of 4 stars; one submission).

Conditions:
Rare genetic deafness. Identifiers: Orphanet 96210, MedGen C5680250.

Submission:

Laboratory for Molecular Medicine, Mass General Brigham Personalized Medicine
Classification: Likely pathogenic for Rare genetic deafness. Last evaluated: 2017-05-02. Review status: criteria provided, single submitter. Criteria: LMM Criteria. Collection method: clinical testing. Allele origin: germline. Inheritance: Autosomal recessive inheritance. Observed: 1 variant allele.
Comment: It has not been reported in large population s tudies. However, exact breakpoints of this deletion cannot be determined. In sum mary, although additional studies are required to fully establish its clinical s ignificance, this variant is likely pathogenic based on likely biallelic status, consistent specific clinical features, and extremely low frequency in the gener al population.